The following is an entry in ClinVar:

NM_018083.5(ZNF358):c.1200A>G (p.Ala400=)

Gene: ZNF358 (zinc finger protein 358; plus strand). Cytogenetic location: 19p13.2.
Variant type: single nucleotide variant.
Coding change: c.1200A>G on transcript NM_018083.5 (MANE Select); coding-DNA position 1200, A replaced by G.
Protein change: p.Ala400=; no amino-acid change (alanine 400 retained).
Molecular consequence: synonymous variant.
Genome position (GRCh38, 1-based): chr19:7,520,442, A>G. VCF-style: chr19-7520442-A-G. GRCh37 (hg19) VCF-style: chr19-7585328-A-G.
Identifiers: ClinVar variation 1694886 (VCV001694886.31), dbSNP rs199871271, ClinGen allele CA9138441.

ClinVar aggregate classification (germline): Likely benign (1 of 4 stars; one submission).

Allele frequency attached by ClinVar (database versions not stated): gnomAD exomes 0.00036; gnomAD 0.00165 and 0.00174; ESP Exome Variant Server 0.00182; 1000 Genomes Project 0.00240.

Submission:

CeGaT Center for Human Genetics Tuebingen
Classification: Likely benign. Last evaluated: 2022-04-01. Review status: criteria provided, single submitter. Criteria: CeGaT Center For Human Genetics Tuebingen Variant Classification Criteria Version 2. Collection method: clinical testing. Allele origin: germline. Affected: yes. Observed: 1 variant allele.
Comment: ZNF358: BP4, BP7